The following is an entry in ClinVar:

ClinVar aggregate classification (germline): Likely benign. Review status: criteria provided, single submitter (1 of 4 stars). 2 submissions from 2 submitters: Likely benign (1). 1 of the submissions does not count toward it. Last evaluated 2023-03-01.

Conditions:
OGG1-related disorder. Also called: OGG1-related condition.

Allele frequency attached by ClinVar (database versions not stated): 1000 Genomes Project 30x 0.00172; 1000 Genomes Project 0.00180; gnomAD 0.00357; TOPMed 0.00392; ESP Exome Variant Server 0.00415.
gnomAD v4.1: 7,868 of 1,614,070 alleles (0.49%); highest among the groups gnomAD compares: Non-Finnish European, 0.6%; 26 homozygotes.

Submissions (2):

CeGaT Center for Human Genetics Tuebingen
Classification: Likely benign. Last evaluated: 2023-03-01. Review status: criteria provided, single submitter. Criteria: CeGaT Center For Human Genetics Tuebingen Variant Classification Criteria Version 2. Collection method: clinical testing. Allele origin: germline. Affected: yes. Observed: 1 variant allele.
Comment: OGG1: BS2

PreventionGenetics, part of Exact Sciences
Classification: Likely benign for OGG1-related condition. Last evaluated: 2020-01-13. Review status: no assertion criteria provided. Collection method: clinical testing. Allele origin: germline. Not counted in ClinVar's aggregate classification.
Comment: This variant is classified as likely benign based on ACMG/AMP sequence variant interpretation guidelines (Richards et al. 2015 PMID: 25741868, with internal and published modifications).

NM_002542.6(OGG1):c.923G>A (p.Gly308Glu)

Gene: OGG1 (8-oxoguanine DNA glycosylase; plus strand). Cytogenetic location: 3p25.3.
Variant type: single nucleotide variant.
Coding change: c.923G>A on transcript NM_002542.6 (MANE Select); coding-DNA position 923, G replaced by A.
Protein change: p.Gly308Glu; replaces glycine 308 with glutamic acid.
Molecular consequence: missense variant. On other transcripts: non-coding transcript variant (3), intron variant (3).
Genome position (GRCh38, 1-based): chr3:9,756,791, G>A. VCF-style: chr3-9756791-G-A. GRCh37 (hg19) VCF-style: chr3-9798475-G-A.
Other names: c.590G>A, p.Gly197Glu (NM_001354648.2, NM_001354649.2); c.772G>A, p.Asp258Asn (NM_001354650.2, NM_001354652.2); c.923G>A, p.Gly308Glu (NM_016819.4, NM_016820.4, NM_016821.3 and 2 more transcripts); c.898+170G>A (NM_001354651.2); c.747+1906G>A (NM_016826.3); c.565+4842G>A (NM_016827.3); c.923G>A (NM_002542.5); short protein forms D258N, G197E, G308E.
Identifiers: ClinVar variation 2653500 (VCV002653500.25), dbSNP rs113561019, ClinGen allele CA2242778.